The following is an entry in ClinVar:

ClinVar aggregate classification (germline): Uncertain significance (1 of 4 stars; one submission).

Conditions:
Isolated microphthalmia 5. Also called: Posterior Microphthalmia with Retinitis Pigmentosa, Foveoschisis, and Optic Disc Drusen. Identifiers: Orphanet 251279, MedGen C1970236, MONDO:0012605, OMIM 611040.

Allele frequency attached by ClinVar (database versions not stated): gnomAD 0.00001; ExAC 0.00002; gnomAD exomes 0.00001.
gnomAD v4.1: 13 of 1,613,084 alleles (0.00081%); highest among the groups gnomAD compares: East Asian, 0.0067%; no homozygotes.

Submission:

Labcorp Genetics (formerly Invitae), Labcorp
Classification: Uncertain significance for Isolated microphthalmia 5. Last evaluated: 2022-08-16. Review status: criteria provided, single submitter. Criteria: Invitae Variant Classification Sherloc (09022015). Collection method: clinical testing. Allele origin: germline.
Comment: This variant has not been reported in the literature in individuals affected with MFRP-related conditions. This variant is present in population databases (rs778211301, gnomAD 0.009%). This sequence change replaces threonine, which is neutral and polar, with proline, which is neutral and non-polar, at codon 115 of the MFRP protein (p.Thr115Pro). In summary, the available evidence is currently insufficient to determine the role of this variant in disease. Therefore, it has been classified as a Variant of Uncertain Significance. Algorithms developed to predict the effect of missense changes on protein structure and function output the following: SIFT: "Tolerated"; PolyPhen-2: "Benign"; Align-GVGD: "Class C0". The proline amino acid residue is found in multiple mammalian species, which suggests that this missense change does not adversely affect protein function.

NM_031433.4(MFRP):c.343A>C (p.Thr115Pro)

Genes: C1QTNF5 (C1q and TNF related 5; minus strand), MFRP (membrane frizzled-related protein; minus strand). Cytogenetic location: 11q23.3.
Variant type: single nucleotide variant.
Coding change: c.343A>C on transcript NM_031433.4 (MANE Select); coding-DNA position 343, A replaced by C.
Protein change: p.Thr115Pro; replaces threonine 115 with proline.
Molecular consequence: missense variant. On other transcripts: 5 prime UTR variant (1).
Genome position (GRCh38, 1-based): chr11:119,345,857, T>G on the plus strand (A>C on the coding strand, the complement: MFRP is on the minus strand). VCF-style: chr11-119345857-T-G. GRCh37 (hg19) VCF-style: chr11-119216567-T-G.
Other names: c.-2294A>C (NM_015645.5); short protein forms T115P.
Identifiers: ClinVar variation 2190946 (VCV002190946.3), dbSNP rs778211301, ClinGen allele CA6320605.
Genomic context (GRCh38, chr11:119,345,857, plus strand): 5'-CTGACTCCTGCTGCCCTTTAGGGGTCCCAGCTGCCTGAGAGGTGGTGATGGTGGGGGTGG[T>G]GGTGGTCGTGGTAAGGCCTCCGGCAGGCAGTGGGCTATGGGACGCCCCAGATGGGGGTGC-3'
Protein context (NP_113621.1, residues 105-125): LPAGGLTTTT[Thr115Pro]TPTITTSQAA